The following is an entry in ClinVar:

NM_006846.4(SPINK5):c.1607+47C>T

Gene: SPINK5 (serine peptidase inhibitor Kazal type 5; plus strand). Cytogenetic location: 5q32.
Variant type: single nucleotide variant.
Coding change: c.1607+47C>T on transcript NM_006846.4 (MANE Select); 47 bases into the intron after coding-DNA position 1607, C replaced by T.
Molecular consequence: intron variant.
Genome position (GRCh38, 1-based): chr5:148,107,211, C>T. VCF-style: chr5-148107211-C-T. GRCh37 (hg19) VCF-style: chr5-147486774-C-T.
Other names: c.1607+47C>T (NM_001127698.2, NM_001127699.2).
Identifiers: ClinVar variation 1178371 (VCV001178371.4), dbSNP rs41291431, ClinGen allele CA3495670.
Genomic context (GRCh38, chr5:148,107,211, plus strand): 5'-TGTGCCAGTGTGTTGTGAGTGTCCACCCCATCTCTCCCACTGAATTTCTTCATCCATGAT[C>T]GCCCCTGAGTCTCAGATCCTTCATGCATGTGTAGAGTATAGACCGTGAGTTATATATTAG-3'

ClinVar aggregate classification (germline): Benign. Review status: criteria provided, multiple submitters, no conflicts (2 of 4 stars). 2 submissions from 2 submitters: Benign (2). Last evaluated 2024-01-24.

Allele frequency attached by ClinVar (database versions not stated): 1000 Genomes Project 30x 0.13726; 1000 Genomes Project 0.13438; ExAC 0.17771.
gnomAD v4.1: 307,114 of 1,599,332 alleles (19%); highest among the groups gnomAD compares: Middle Eastern, 22%; 31,054 homozygotes.

Submissions (2):

Unidad de Genómica Garrahan, Hospital de Pediatría Garrahan
Classification: Benign. Last evaluated: 2024-01-24. Review status: criteria provided, single submitter. Criteria: ACMG Guidelines, 2015. Collection method: clinical testing. Allele origin: germline. Affected: no. Observed: 26 variant alleles.
Comment: This variant is classified as Benign based on local population frequency. This variant was detected in 30% of patients studied by a panel of primary immunodeficiencies. Number of patients: 26. Only high quality variants are reported.

GeneDx
Classification: Benign. Last evaluated: 2015-03-03. Review status: criteria provided, single submitter. Criteria: GeneDx Variant Classification Process June 2021. Collection method: clinical testing. Allele origin: germline. Affected: yes.